The following is an entry in ClinVar:

ClinVar aggregate classification (germline): Uncertain significance. Review status: criteria provided, multiple submitters, no conflicts (2 of 4 stars). 2 submissions from 2 submitters: Uncertain significance (2). Last evaluated 2023-02-16.

Conditions:
Inborn genetic diseases. Identifiers: MedGen C0950123, MeSH D030342.

Allele frequency attached by ClinVar (database versions not stated): gnomAD 0.00001 and 0.00002; TOPMed 0.00002; gnomAD exomes 0.00003 and 0.00008; ExAC 0.00010; 1000 Genomes Project 0.00020; 1000 Genomes Project 30x 0.00031.
gnomAD v4.1: 56 of 1,614,154 alleles (0.0035%); highest among the groups gnomAD compares: Middle Eastern, 0.15%; no homozygotes.

Submissions (2):

Ambry Genetics
Classification: Uncertain significance for Inborn genetic diseases. Last evaluated: 2023-02-16. Review status: criteria provided, single submitter. Criteria: Ambry Variant Classification Scheme 2023. Collection method: clinical testing. Allele origin: germline.

Labcorp Genetics (formerly Invitae), Labcorp
Classification: Uncertain significance. Last evaluated: 2022-06-08. Review status: criteria provided, single submitter. Criteria: Invitae Variant Classification Sherloc (09022015). Collection method: clinical testing. Allele origin: germline.
Comment: This sequence change replaces glycine, which is neutral and non-polar, with cysteine, which is neutral and slightly polar, at codon 271 of the UNC45A protein (p.Gly271Cys). This variant is present in population databases (rs573743148, gnomAD 0.01%). This variant has not been reported in the literature in individuals affected with UNC45A-related conditions. Experimental studies and prediction algorithms are not available or were not evaluated, and the functional significance of this variant is currently unknown. In summary, the available evidence is currently insufficient to determine the role of this variant in disease. Therefore, it has been classified as a Variant of Uncertain Significance.

NM_018671.5(UNC45A):c.811G>T (p.Gly271Cys)

Gene: UNC45A (unc-45 myosin chaperone A; plus strand). Cytogenetic location: 15q26.1.
Variant type: single nucleotide variant.
Coding change: c.811G>T on transcript NM_018671.5 (MANE Select); coding-DNA position 811, G replaced by T.
Protein change: p.Gly271Cys; replaces glycine 271 with cysteine.
Molecular consequence: missense variant.
Genome position (GRCh38, 1-based): chr15:90,942,560, G>T. VCF-style: chr15-90942560-G-T. GRCh37 (hg19) VCF-style: chr15-91485790-G-T.
Other names: c.766G>T, p.Gly256Cys (NM_001039675.2, NM_001323621.2); c.811G>T, p.Gly271Cys (NM_001323619.1); c.376G>T, p.Gly126Cys (NM_001323620.2); c.811G>T (NM_018671.3); short protein forms G271C, G126C, G256C.
Identifiers: ClinVar variation 1438533 (VCV001438533.4), dbSNP rs573743148, ClinGen allele CA7742671.